The following continues an entry in ClinVar:

NM_005529.7(HSPG2):c.7806C>A (p.Val2602=)

Gene: HSPG2. ClinVar aggregate classification (germline): Benign/Likely benign. Benign (8); Likely benign (1).

Submissions 68 to 110 of 110:

Dr. Peter K. Rogan Lab, Western University
No classification provided (evidence only). Condition: Ovarian cancer. Review status: no classification provided. Collection method: in vitro. Allele origin: not applicable. Functional consequence: retained intron. Not counted in ClinVar's aggregate classification.

Dr. Peter K. Rogan Lab, Western University
No classification provided (evidence only). Condition: Ovarian cancer. Review status: no classification provided. Collection method: in vitro. Allele origin: not applicable. Functional consequence: skipped exon, retained intron. Not counted in ClinVar's aggregate classification.

Dr. Peter K. Rogan Lab, Western University
No classification provided (evidence only). Condition: Colon adenocarcinoma. Review status: no classification provided. Collection method: in vitro. Allele origin: not applicable. Functional consequence: retained intron. Not counted in ClinVar's aggregate classification.

Dr. Peter K. Rogan Lab, Western University
No classification provided (evidence only). Condition: Colon adenocarcinoma. Review status: no classification provided. Collection method: in vitro. Allele origin: not applicable. Functional consequence: retained intron. Not counted in ClinVar's aggregate classification.

Dr. Peter K. Rogan Lab, Western University
No classification provided (evidence only). Condition: Colon adenocarcinoma. Review status: no classification provided. Collection method: in vitro. Allele origin: not applicable. Functional consequence: retained intron. Not counted in ClinVar's aggregate classification.

Dr. Peter K. Rogan Lab, Western University
No classification provided (evidence only). Condition: Colon adenocarcinoma. Review status: no classification provided. Collection method: in vitro. Allele origin: not applicable. Functional consequence: retained intron. Not counted in ClinVar's aggregate classification.

Dr. Peter K. Rogan Lab, Western University
No classification provided (evidence only). Condition: Colorectal cancer. Review status: no classification provided. Collection method: in vitro. Allele origin: not applicable. Functional consequence: retained intron. Not counted in ClinVar's aggregate classification.

Dr. Peter K. Rogan Lab, Western University
No classification provided (evidence only). Condition: Colorectal cancer. Review status: no classification provided. Collection method: in vitro. Allele origin: not applicable. Functional consequence: retained intron. Not counted in ClinVar's aggregate classification.

Dr. Peter K. Rogan Lab, Western University
No classification provided (evidence only). Condition: Colorectal cancer. Review status: no classification provided. Collection method: in vitro. Allele origin: not applicable. Functional consequence: retained intron. Not counted in ClinVar's aggregate classification.

Dr. Peter K. Rogan Lab, Western University
No classification provided (evidence only). Condition: Colorectal cancer. Review status: no classification provided. Collection method: in vitro. Allele origin: not applicable. Functional consequence: retained intron. Not counted in ClinVar's aggregate classification.

Dr. Peter K. Rogan Lab, Western University
No classification provided (evidence only). Condition: Colorectal cancer. Review status: no classification provided. Collection method: in vitro. Allele origin: not applicable. Functional consequence: retained intron. Not counted in ClinVar's aggregate classification.

Dr. Peter K. Rogan Lab, Western University
No classification provided (evidence only). Condition: Colorectal cancer. Review status: no classification provided. Collection method: in vitro. Allele origin: not applicable. Functional consequence: retained intron. Not counted in ClinVar's aggregate classification.

Dr. Peter K. Rogan Lab, Western University
No classification provided (evidence only). Condition: Uterine corpus endometrial carcinoma. Review status: no classification provided. Collection method: in vitro. Allele origin: not applicable. Functional consequence: retained intron. Not counted in ClinVar's aggregate classification.

Dr. Peter K. Rogan Lab, Western University
No classification provided (evidence only). Condition: Uterine corpus endometrial carcinoma. Review status: no classification provided. Collection method: in vitro. Allele origin: not applicable. Functional consequence: retained intron. Not counted in ClinVar's aggregate classification.

Dr. Peter K. Rogan Lab, Western University
No classification provided (evidence only). Condition: Uterine corpus endometrial carcinoma. Review status: no classification provided. Collection method: in vitro. Allele origin: not applicable. Functional consequence: retained intron. Not counted in ClinVar's aggregate classification.

Dr. Peter K. Rogan Lab, Western University
No classification provided (evidence only). Condition: Uterine corpus endometrial carcinoma. Review status: no classification provided. Collection method: in vitro. Allele origin: not applicable. Functional consequence: retained intron. Not counted in ClinVar's aggregate classification.

Dr. Peter K. Rogan Lab, Western University
No classification provided (evidence only). Condition: Uterine corpus endometrial carcinoma. Review status: no classification provided. Collection method: in vitro. Allele origin: not applicable. Functional consequence: retained intron. Not counted in ClinVar's aggregate classification.

Dr. Peter K. Rogan Lab, Western University
No classification provided (evidence only). Condition: Uterine corpus endometrial carcinoma. Review status: no classification provided. Collection method: in vitro. Allele origin: not applicable. Functional consequence: retained intron. Not counted in ClinVar's aggregate classification.

Dr. Peter K. Rogan Lab, Western University
No classification provided (evidence only). Condition: Uterine corpus endometrial carcinoma. Review status: no classification provided. Collection method: in vitro. Allele origin: not applicable. Functional consequence: retained intron. Not counted in ClinVar's aggregate classification.

Dr. Peter K. Rogan Lab, Western University
No classification provided (evidence only). Condition: Uterine corpus endometrial carcinoma. Review status: no classification provided. Collection method: in vitro. Allele origin: not applicable. Functional consequence: retained intron. Not counted in ClinVar's aggregate classification.

Dr. Peter K. Rogan Lab, Western University
No classification provided (evidence only). Condition: Uterine corpus endometrial carcinoma. Review status: no classification provided. Collection method: in vitro. Allele origin: not applicable. Functional consequence: retained intron. Not counted in ClinVar's aggregate classification.

Dr. Peter K. Rogan Lab, Western University
No classification provided (evidence only). Condition: Ovarian cancer. Review status: no classification provided. Collection method: in vitro. Allele origin: not applicable. Functional consequence: cryptic splice site, skipped exon, retained intron. Not counted in ClinVar's aggregate classification.

Dr. Peter K. Rogan Lab, Western University
No classification provided (evidence only). Condition: Ovarian cancer. Review status: no classification provided. Collection method: in vitro. Allele origin: not applicable. Functional consequence: retained intron. Not counted in ClinVar's aggregate classification.

Dr. Peter K. Rogan Lab, Western University
No classification provided (evidence only). Condition: Ovarian cancer. Review status: no classification provided. Collection method: in vitro. Allele origin: not applicable. Functional consequence: retained intron. Not counted in ClinVar's aggregate classification.

Dr. Peter K. Rogan Lab, Western University
No classification provided (evidence only). Condition: Ovarian cancer. Review status: no classification provided. Collection method: in vitro. Allele origin: not applicable. Functional consequence: cryptic splice site, retained intron. Not counted in ClinVar's aggregate classification.

Dr. Peter K. Rogan Lab, Western University
No classification provided (evidence only). Condition: Uterine corpus endometrial carcinoma. Review status: no classification provided. Collection method: in vitro. Allele origin: not applicable. Functional consequence: retained intron. Not counted in ClinVar's aggregate classification.

Dr. Peter K. Rogan Lab, Western University
No classification provided (evidence only). Condition: Hepatocellular carcinoma. Review status: no classification provided. Collection method: in vitro. Allele origin: not applicable. Functional consequence: retained intron. Not counted in ClinVar's aggregate classification.

Dr. Peter K. Rogan Lab, Western University
No classification provided (evidence only). Condition: Hepatocellular carcinoma. Review status: no classification provided. Collection method: in vitro. Allele origin: not applicable. Functional consequence: retained intron. Not counted in ClinVar's aggregate classification.

Dr. Peter K. Rogan Lab, Western University
No classification provided (evidence only). Condition: Hepatocellular carcinoma. Review status: no classification provided. Collection method: in vitro. Allele origin: not applicable. Functional consequence: retained intron. Not counted in ClinVar's aggregate classification.

Dr. Peter K. Rogan Lab, Western University
No classification provided (evidence only). Condition: Hepatocellular carcinoma. Review status: no classification provided. Collection method: in vitro. Allele origin: not applicable. Functional consequence: retained intron. Not counted in ClinVar's aggregate classification.

Dr. Peter K. Rogan Lab, Western University
No classification provided (evidence only). Condition: Hepatocellular carcinoma. Review status: no classification provided. Collection method: in vitro. Allele origin: not applicable. Functional consequence: retained intron. Not counted in ClinVar's aggregate classification.

Dr. Peter K. Rogan Lab, Western University
No classification provided (evidence only). Condition: Hepatocellular carcinoma. Review status: no classification provided. Collection method: in vitro. Allele origin: not applicable. Functional consequence: retained intron. Not counted in ClinVar's aggregate classification.

Dr. Peter K. Rogan Lab, Western University
No classification provided (evidence only). Condition: Nonpapillary renal cell carcinoma. Review status: no classification provided. Collection method: in vitro. Allele origin: not applicable. Functional consequence: retained intron. Not counted in ClinVar's aggregate classification.

Dr. Peter K. Rogan Lab, Western University
No classification provided (evidence only). Condition: Nonpapillary renal cell carcinoma. Review status: no classification provided. Collection method: in vitro. Allele origin: not applicable. Functional consequence: retained intron. Not counted in ClinVar's aggregate classification.

Dr. Peter K. Rogan Lab, Western University
No classification provided (evidence only). Condition: Nonpapillary renal cell carcinoma. Review status: no classification provided. Collection method: in vitro. Allele origin: not applicable. Functional consequence: retained intron. Not counted in ClinVar's aggregate classification.

Dr. Peter K. Rogan Lab, Western University
No classification provided (evidence only). Condition: Nonpapillary renal cell carcinoma. Review status: no classification provided. Collection method: in vitro. Allele origin: not applicable. Functional consequence: retained intron. Not counted in ClinVar's aggregate classification.

Dr. Peter K. Rogan Lab, Western University
No classification provided (evidence only). Condition: Thymoma. Review status: no classification provided. Collection method: in vitro. Allele origin: not applicable. Functional consequence: retained intron. Not counted in ClinVar's aggregate classification.

Dr. Peter K. Rogan Lab, Western University
No classification provided (evidence only). Condition: Thymoma. Review status: no classification provided. Collection method: in vitro. Allele origin: not applicable. Functional consequence: retained intron. Not counted in ClinVar's aggregate classification.

Dr. Peter K. Rogan Lab, Western University
No classification provided (evidence only). Condition: Thymoma. Review status: no classification provided. Collection method: in vitro. Allele origin: not applicable. Functional consequence: retained intron. Not counted in ClinVar's aggregate classification.

Dr. Peter K. Rogan Lab, Western University
No classification provided (evidence only). Condition: Thymoma. Review status: no classification provided. Collection method: in vitro. Allele origin: not applicable. Functional consequence: retained intron. Not counted in ClinVar's aggregate classification.

Dr. Peter K. Rogan Lab, Western University
No classification provided (evidence only). Condition: Thymoma. Review status: no classification provided. Collection method: in vitro. Allele origin: not applicable. Functional consequence: retained intron. Not counted in ClinVar's aggregate classification.

Dr. Peter K. Rogan Lab, Western University
No classification provided (evidence only). Condition: Cholangiocarcinoma. Review status: no classification provided. Collection method: in vitro. Allele origin: not applicable. Functional consequence: retained intron. Not counted in ClinVar's aggregate classification.

Dr. Peter K. Rogan Lab, Western University
No classification provided (evidence only). Condition: Adrenocortical carcinoma, hereditary. Review status: no classification provided. Collection method: in vitro. Allele origin: not applicable. Functional consequence: retained intron. Not counted in ClinVar's aggregate classification.